The following is an entry in ClinVar:

ClinVar aggregate classification (germline): Likely benign. Review status: criteria provided, multiple submitters, no conflicts (2 of 4 stars). 4 submissions from 4 submitters: Likely benign (4). Last evaluated 2025-12-01.

Conditions:
Maturity-onset diabetes of the young type 8 (MODY8). Also called: DIABETES-PANCREATIC EXOCRINE DYSFUNCTION SYNDROME; DIABETES AND PANCREATIC EXOCRINE DYSFUNCTION. Identifiers: Orphanet 552, MedGen C1853297, MONDO:0012348, OMIM 609812.

Allele frequency attached by ClinVar (database versions not stated): gnomAD exomes 0.00026 and 0.00046; gnomAD 0.00106 and 0.00108; ExAC 0.00117.
gnomAD v4.1: 813 of 1,594,196 alleles (0.051%); highest among the groups gnomAD compares: Non-Finnish European, 0.048%; 5 homozygotes.

Submissions (4):

CeGaT Center for Human Genetics Tuebingen
Classification: Likely benign. Last evaluated: 2025-12-01. Review status: criteria provided, single submitter. Criteria: CeGaT Center For Human Genetics Tuebingen Variant Classification Criteria Version 2. Collection method: clinical testing. Allele origin: germline. Affected: yes. Observed: 3 variant alleles.
Comment: CEL: BP4, BP7

Blueprint Genetics
Classification: Likely benign. Last evaluated: 2024-11-15. Review status: criteria provided, single submitter. Criteria: ACMG Guidelines, 2015. Collection method: clinical testing. Allele origin: germline.

Fulgent Genetics
Classification: Likely benign for Maturity-onset diabetes of the young type 8. Last evaluated: 2021-09-06. Review status: criteria provided, single submitter. Criteria: ACMG Guidelines, 2015. Collection method: clinical testing. Allele origin: unknown.

GeneDx
Classification: Likely benign. Last evaluated: 2019-04-18. Review status: criteria provided, single submitter. Criteria: GeneDx Variant Classification Process June 2021. Collection method: clinical testing. Allele origin: germline. Affected: yes.

NM_001807.6(CEL):c.1716C>G (p.Pro572=)

Gene: CEL (carboxyl ester lipase; plus strand). Cytogenetic location: 9q34.13.
Variant type: single nucleotide variant.
Coding change: c.1716C>G on transcript NM_001807.6 (MANE Select); coding-DNA position 1716, C replaced by G.
Protein change: p.Pro572=; no amino-acid change (proline 572 retained).
Molecular consequence: synonymous variant.
Genome position (GRCh38, 1-based): chr9:133,071,218, C>G. VCF-style: chr9-133071218-C-G. GRCh37 (hg19) VCF-style: chr9-135946605-C-G.
Identifiers: ClinVar variation 1202123 (VCV001202123.29), dbSNP rs200152972, ClinGen allele CA5303498.